The following is an entry in ClinVar:

NM_177438.3(DICER1):c.3943C>A (p.Leu1315Ile)

Gene: DICER1 (dicer 1, ribonuclease III; minus strand). Cytogenetic location: 14q32.13.
Variant type: single nucleotide variant.
Coding change: c.3943C>A on transcript NM_177438.3 (MANE Select); coding-DNA position 3943, C replaced by A.
Protein change: p.Leu1315Ile; replaces leucine 1315 with isoleucine.
Molecular consequence: missense variant.
Genome position (GRCh38, 1-based): chr14:95,103,453, G>T on the plus strand (C>A on the coding strand, the complement: DICER1 is on the minus strand). VCF-style: chr14-95103453-G-T. GRCh37 (hg19) VCF-style: chr14-95569790-G-T.
Other names: c.3943C>A, p.Leu1315Ile (NM_001195573.1, NM_001271282.3, NM_001291628.2 and 1 more transcripts); short protein forms L1315I.
Identifiers: ClinVar variation 859340 (VCV000859340.11), dbSNP rs1566766844, ClinGen allele CA390873118.

ClinVar aggregate classification (germline): Uncertain significance (1 of 4 stars; one submission).

Conditions:
DICER1-related tumor predisposition. Also called: DICER1 syndrome; DICER1-related pleuropulmonary blastoma cancer predisposition syndrome. Identifiers: Orphanet 284343, MedGen C3839822, MONDO:0100216.

Allele frequency attached by ClinVar (database versions not stated): gnomAD exomes below 0.00001.

Submission:

Labcorp Genetics (formerly Invitae), Labcorp
Classification: Uncertain significance for DICER1-related tumor predisposition. Last evaluated: 2022-11-15. Review status: criteria provided, single submitter. Criteria: Invitae Variant Classification Sherloc (09022015). Collection method: clinical testing. Allele origin: germline.
Comment: This sequence change replaces leucine, which is neutral and non-polar, with isoleucine, which is neutral and non-polar, at codon 1315 of the DICER1 protein (p.Leu1315Ile). This variant is not present in population databases (gnomAD no frequency). This variant has not been reported in the literature in individuals affected with DICER1-related conditions. ClinVar contains an entry for this variant (Variation ID: 859340). Advanced modeling of protein sequence and biophysical properties (such as structural, functional, and spatial information, amino acid conservation, physicochemical variation, residue mobility, and thermodynamic stability) performed at Invitae indicates that this missense variant is expected to disrupt DICER1 protein function. In summary, the available evidence is currently insufficient to determine the role of this variant in disease. Therefore, it has been classified as a Variant of Uncertain Significance.